The following is an entry in ClinVar:

ClinVar aggregate classification (germline): Conflicting classifications of pathogenicity. Review status: criteria provided, conflicting classifications (1 of 4 stars). 5 submissions from 5 submitters: Uncertain significance (2); Likely benign (3). Last evaluated 2025-11-19.

Conditions:
Saldino-Mainzer syndrome (SRTD9). Also called: short-rib thoracic dysplasia 9 with or without polydactyly; SHORT-RIB THORACIC DYSPLASIA 9 WITHOUT POLYDACTYLY; Renal dysplasia, retinal pigmentary dystrophy, cerebellar ataxia and skeletal dysplasia; CONORENAL SYNDROME. Identifiers: Orphanet 140969, MedGen C1849437, MONDO:0009964, OMIM 266920.
Retinitis pigmentosa 80 (RP80). Identifiers: MedGen C4540439, MONDO:0054708, OMIM 617781.
IFT140-related disorder. Also called: IFT140-related condition.

Allele frequency attached by ClinVar (database versions not stated): gnomAD exomes 0.00002 and 0.00014; gnomAD 0.00006 and 0.00007; TOPMed 0.00006; 1000 Genomes Project 30x 0.00016; 1000 Genomes Project 0.00020; ExAC 0.00021.
gnomAD v4.1: 38 of 1,608,276 alleles (0.0024%); highest among the groups gnomAD compares: East Asian, 0.083%; no homozygotes.

Submissions (5):

Labcorp Genetics (formerly Invitae), Labcorp
Classification: Likely benign for Saldino-Mainzer syndrome. Last evaluated: 2025-11-19. Review status: criteria provided, single submitter. Criteria: Invitae Variant Classification Sherloc (09022015). Collection method: clinical testing. Allele origin: germline.

PreventionGenetics, part of Exact Sciences
Classification: Likely benign for IFT140-related condition. Last evaluated: 2025-04-12. Review status: criteria provided, single submitter. Criteria: ACMG Guidelines, 2015. Collection method: clinical testing. Allele origin: germline.
Comment: This variant is classified as likely benign based on ACMG/AMP sequence variant interpretation guidelines (Richards et al. 2015 PMID: 25741868, with internal and published modifications).

Fulgent Genetics
Classification: Uncertain significance for Saldino-Mainzer syndrome; Retinitis pigmentosa 80. Last evaluated: 2024-04-25. Review status: criteria provided, single submitter. Criteria: ACMG Guidelines, 2015. Collection method: clinical testing. Allele origin: germline.

Blueprint Genetics
Classification: Likely benign. Last evaluated: 2024-02-23. Review status: criteria provided, single submitter. Criteria: ACMG Guidelines, 2015. Collection method: clinical testing. Allele origin: germline.

Illumina Laboratory Services, Illumina
Classification: Uncertain significance for Saldino-Mainzer syndrome. Last evaluated: 2018-01-13. Review status: criteria provided, single submitter. Criteria: ICSL Variant Classification Criteria 13 December 2019. Collection method: clinical testing. Allele origin: germline.

NM_014714.4(IFT140):c.3580C>G (p.Gln1194Glu)

Gene: IFT140 (intraflagellar transport 140; minus strand). Cytogenetic location: 16p13.3.
Variant type: single nucleotide variant.
Coding change: c.3580C>G on transcript NM_014714.4 (MANE Select); coding-DNA position 3580, C replaced by G.
Protein change: p.Gln1194Glu; replaces glutamine 1194 with glutamic acid.
Molecular consequence: missense variant.
Genome position (GRCh38, 1-based): chr16:1,520,682, G>C on the plus strand (C>G on the coding strand, the complement: IFT140 is on the minus strand). VCF-style: chr16-1520682-G-C. GRCh37 (hg19) VCF-style: chr16-1570683-G-C.
Other names: short protein forms Q1194E.
Identifiers: ClinVar variation 318005 (VCV000318005.16), dbSNP rs555330165, ClinGen allele CA7813109.
Genomic context (GRCh38, chr16:1,520,682, plus strand): 5'-GCGTGTACTTCTTGGTGGCCAGGTGGTAGCTGCCCTGGCGCATGCAGCAGTCTGCTATCT[G>C]CTCCAGCAGCTCCCGCCGCGACTCCTCAGGCAGGTCCGAGGAGTCCTTGGCCACGGTCAT-3'
Protein context (NP_055529.2, residues 1184-1204): PEESRRELLE[Gln1194Glu]IADCCMRQGS